The following is an entry in ClinVar:

ClinVar aggregate classification (germline): Uncertain significance. Review status: criteria provided, multiple submitters, no conflicts (2 of 4 stars). 3 submissions from 3 submitters: Uncertain significance (3). Last evaluated 2023-10-01.

Conditions:
Retinal dystrophy. Also called: Inherited retinal dystrophy. Identifiers: Orphanet 71862, MedGen C0854723, MeSH D058499, MONDO:0019118, HP:0000556.

Allele frequency attached by ClinVar (database versions not stated): TOPMed below 0.00001; gnomAD 0.00001; gnomAD exomes 0.00002 and 0.00004; ExAC 0.00007.
gnomAD v4.1: 37 of 1,613,878 alleles (0.0023%); highest among the groups gnomAD compares: East Asian, 0.036%; no homozygotes.

Submissions (3):

Dept Of Ophthalmology, Nagoya University
Classification: Uncertain significance for Retinal dystrophy. Last evaluated: 2023-10-01. Review status: criteria provided, single submitter. Criteria: Submitter's publication. Collection method: research. Allele origin: germline. Affected: yes.

Blueprint Genetics
Classification: Uncertain significance. Last evaluated: 2023-02-13. Review status: criteria provided, single submitter. Criteria: ACMG Guidelines, 2015. Collection method: clinical testing. Allele origin: germline.

Labcorp Genetics (formerly Invitae), Labcorp
Classification: Uncertain significance. Last evaluated: 2022-03-03. Review status: criteria provided, single submitter. Criteria: Invitae Variant Classification Sherloc (09022015). Collection method: clinical testing. Allele origin: germline.
Comment: This sequence change replaces serine, which is neutral and polar, with leucine, which is neutral and non-polar, at codon 293 of the MAK protein (p.Ser293Leu). This variant is present in population databases (rs773485283, gnomAD 0.02%). This variant has not been reported in the literature in individuals affected with MAK-related conditions. ClinVar contains an entry for this variant (Variation ID: 956355). Algorithms developed to predict the effect of sequence changes on RNA splicing suggest that this variant may disrupt the consensus splice site. In summary, the available evidence is currently insufficient to determine the role of this variant in disease. Therefore, it has been classified as a Variant of Uncertain Significance.

NM_001242957.3(MAK):c.878C>T (p.Ser293Leu)

Gene: MAK (male germ cell associated kinase; minus strand). Cytogenetic location: 6p24.2.
Variant type: single nucleotide variant.
Coding change: c.878C>T on transcript NM_001242957.3 (MANE Select); coding-DNA position 878, C replaced by T.
Protein change: p.Ser293Leu; replaces serine 293 with leucine.
Molecular consequence: missense variant. On other transcripts: non-coding transcript variant (2).
Genome position (GRCh38, 1-based): chr6:10,796,263, G>A on the plus strand (C>T on the coding strand, the complement: MAK is on the minus strand). VCF-style: chr6-10796263-G-A. GRCh37 (hg19) VCF-style: chr6-10796496-G-A.
Other names: c.878C>T, p.Ser293Leu (NM_001242385.2, NM_005906.6); c.776C>T, p.Ser259Leu (NM_001377262.1); short protein forms S259L, S293L.
Identifiers: ClinVar variation 956355 (VCV000956355.6), dbSNP rs773485283, ClinGen allele CA3633603.